The following is an entry in ClinVar:

NM_001371986.1(UNC80):c.3915C>T (p.Tyr1305=)

Gene: UNC80 (unc-80 subunit of NALCN channel complex; plus strand). Cytogenetic location: 2q34.
Variant type: single nucleotide variant.
Coding change: c.3915C>T on transcript NM_001371986.1 (MANE Select); coding-DNA position 3915, C replaced by T.
Protein change: p.Tyr1305=; no amino-acid change (tyrosine 1305 retained).
Molecular consequence: synonymous variant.
Genome position (GRCh38, 1-based): chr2:209,878,028, C>T. VCF-style: chr2-209878028-C-T. GRCh37 (hg19) VCF-style: chr2-210742752-C-T.
Other names: c.3921C>T, p.Tyr1307= (NM_032504.2); c.3906C>T, p.Tyr1302= (NM_182587.4).
Identifiers: ClinVar variation 1666083 (VCV001666083.23), dbSNP rs1040212766, ClinGen allele CA65035939.

ClinVar aggregate classification (germline): Likely benign. Review status: criteria provided, multiple submitters, no conflicts (2 of 4 stars). 3 submissions from 3 submitters: Likely benign (3). Last evaluated 2025-12-05.

Allele frequency attached by ClinVar (database versions not stated): gnomAD exomes 0.00005 and 0.00006; TOPMed 0.00007; gnomAD 0.00004.
gnomAD v4.1: 75 of 1,544,698 alleles (0.0049%); highest among the groups gnomAD compares: Non-Finnish European, 0.0058%; no homozygotes.

Submissions (3):

Labcorp Genetics (formerly Invitae), Labcorp
Classification: Likely benign. Last evaluated: 2025-12-05. Review status: criteria provided, single submitter. Criteria: Invitae Variant Classification Sherloc (09022015). Collection method: clinical testing. Allele origin: germline.

Blueprint Genetics
Classification: Likely benign. Last evaluated: 2024-10-28. Review status: criteria provided, single submitter. Criteria: ACMG Guidelines, 2015. Collection method: clinical testing. Allele origin: germline.

CeGaT Center for Human Genetics Tuebingen
Classification: Likely benign. Last evaluated: 2024-10-01. Review status: criteria provided, single submitter. Criteria: CeGaT Center For Human Genetics Tuebingen Variant Classification Criteria Version 2. Collection method: clinical testing. Allele origin: germline. Affected: yes. Observed: 1 variant allele.
Comment: UNC80: BP4, BP7